The following is an entry in ClinVar:

ClinVar aggregate classification (germline): Uncertain significance (1 of 4 stars; one submission).

Conditions:
Hereditary cancer-predisposing syndrome. Also called: Neoplastic Syndromes, Hereditary; Tumor predisposition; Hereditary Cancer Syndrome; Hereditary neoplastic syndrome. Identifiers: Orphanet 140162, MedGen C0027672, MeSH D009386, MONDO:0015356.

Submission:

Ambry Genetics
Classification: Uncertain significance for Hereditary cancer-predisposing syndrome. Last evaluated: 2022-05-02. Review status: criteria provided, single submitter. Criteria: Ambry Variant Classification Scheme 2023. Collection method: clinical testing. Allele origin: germline.
Comment: The p.Q66P variant (also known as c.197A>C), located in coding exon 1 of the SMARCA4 gene, results from an A to C substitution at nucleotide position 197. The glutamine at codon 66 is replaced by proline, an amino acid with similar properties. This amino acid position is well conserved in available vertebrate species. In addition, the in silico prediction for this alteration is inconclusive. Missense and in-frame variants in SMARCA4 are known to cause neurodevelopmental disorders; however, such associations with rhabdoid tumor predisposition syndrome including small cell carcinoma of the ovary-hypercalcemic type (SCCOHT) are exceedingly rare (Kosho T et al. Am J Med Genet C Semin Med Genet. 2014 Sep;166C(3):262-75; Jelinic P et al. Nat Genet. 2014 May;46(5):424-6). Based on the supporting evidence, the association of this alteration with Coffin-Siris syndrome is unknown; however, the association of this alteration with rhabdoid tumor predisposition syndrome is unlikely.

NM_003072.5(SMARCA4):c.197A>C (p.Gln66Pro)

Gene: SMARCA4 (SWI/SNF related BAF chromatin remodeling complex subunit ATPase 4; plus strand). Cytogenetic location: 19p13.2.
Variant type: single nucleotide variant.
Coding change: c.197A>C on transcript NM_003072.5 (MANE Select); coding-DNA position 197, A replaced by C.
Protein change: p.Gln66Pro; replaces glutamine 66 with proline.
Molecular consequence: missense variant. On other transcripts: non-coding transcript variant (1).
Genome position (GRCh38, 1-based): chr19:10,984,348, A>C. VCF-style: chr19-10984348-A-C. GRCh37 (hg19) VCF-style: chr19-11095024-A-C.
Other names: c.197A>C, p.Gln66Pro (NM_001128844.3, NM_001128845.2, NM_001128846.2 and 6 more transcripts); short protein forms Q66P.
Identifiers: ClinVar variation 1783769 (VCV001783769.2), dbSNP rs2513939648, ClinGen allele CA404054632.